The following is an entry in ClinVar:

ClinVar aggregate classification (germline): Likely benign (0 of 4 stars; one submission).

Conditions:
MYH6-related disorder. Also called: MYH6-related condition; MYH6-Related Disorders.

Allele frequency attached by ClinVar (database versions not stated): gnomAD exomes below 0.00001; ExAC 0.00001; gnomAD 0.00001; TOPMed 0.00002.
gnomAD v4.1: 8 of 1,614,074 alleles (0.0005%); highest among the groups gnomAD compares: South Asian, 0.0044%; no homozygotes.

Submission:

PreventionGenetics, part of Exact Sciences
Classification: Likely benign for MYH6-related condition. Last evaluated: 2022-11-10. Review status: no assertion criteria provided. Collection method: clinical testing. Allele origin: germline.
Comment: This variant is classified as likely benign based on ACMG/AMP sequence variant interpretation guidelines (Richards et al. 2015 PMID: 25741868, with internal and published modifications).

NM_002471.4(MYH6):c.120C>T (p.Pro40=)

Genes: MYH6 (myosin heavy chain 6; minus strand), LOC114827851 (VISTA enhancer hs2155; plus strand). Cytogenetic location: 14q11.2.
Variant type: single nucleotide variant.
Coding change: c.120C>T on transcript NM_002471.4 (MANE Select); coding-DNA position 120, C replaced by T.
Protein change: p.Pro40=; no amino-acid change (proline 40 retained).
Molecular consequence: synonymous variant.
Genome position (GRCh38, 1-based): chr14:23,407,104, G>A on the plus strand (C>T on the coding strand, the complement: MYH6 is on the minus strand). VCF-style: chr14-23407104-G-A. GRCh37 (hg19) VCF-style: chr14-23876313-G-A.
Identifiers: ClinVar variation 3051095 (VCV003051095.2), dbSNP rs775408594, ClinGen allele CA7116260.